The following is an entry in ClinVar:

NM_004082.5(DCTN1):c.35C>T (p.Thr12Met)

Gene: DCTN1 (dynactin subunit 1; minus strand). Cytogenetic location: 2p13.1.
Variant type: single nucleotide variant.
Coding change: c.35C>T on transcript NM_004082.5 (MANE Select); coding-DNA position 35, C replaced by T.
Protein change: p.Thr12Met; replaces threonine 12 with methionine.
Molecular consequence: missense variant. On other transcripts: 5 prime UTR variant (3), non-coding transcript variant (1).
Genome position (GRCh38, 1-based): chr2:74,378,244, G>A on the plus strand (C>T on the coding strand, the complement: DCTN1 is on the minus strand). VCF-style: chr2-74378244-G-A. GRCh37 (hg19) VCF-style: chr2-74605371-G-A.
Other names: c.35C>T, p.Thr12Met (NM_001135040.3, NM_001190837.2); c.-17C>T (NM_001190836.2, NM_001378991.1, NM_001378992.1); short protein forms T12M.
Identifiers: ClinVar variation 1011756 (VCV001011756.19), dbSNP rs72659364, ClinGen allele CA1722619.

ClinVar aggregate classification (germline): Uncertain significance. Review status: criteria provided, multiple submitters, no conflicts (2 of 4 stars). 5 submissions from 5 submitters: Uncertain significance (5). Last evaluated 2026-09-08.

Conditions:
Neuronopathy, distal hereditary motor, type 7B. Also called: NEURONOPATHY, DISTAL HEREDITARY MOTOR, AUTOSOMAL DOMINANT 14; NEURONOPATHY, DISTAL HEREDITARY MOTOR, HARDING TYPE VIIB; NEUROPATHY, DISTAL HEREDITARY MOTOR, HARDING TYPE VIIB; NEUROPATHY, DISTAL HEREDITARY MOTOR, WITH VOCAL CORD PARALYSIS, HARDING TYPE VIIB; Distal Hereditary Motor Neuronopathy Type 7B (dHMN7B); HMN VIIB. Identifiers: Orphanet 139589, MedGen C1843315, MONDO:0011879, OMIM 607641.
Perry syndrome. Also called: PARKINSONISM WITH ALVEOLAR HYPOVENTILATION AND MENTAL DEPRESSION. Identifiers: Orphanet 178509, MedGen C1868594, MONDO:0008201, OMIM 168605.
Amyotrophic lateral sclerosis type 1 (ALS1). Also called: AMYOTROPHIC LATERAL SCLEROSIS 1, FAMILIAL. Identifiers: Orphanet 803, MedGen C1862939, MONDO:0007103, OMIM 105400.
DCTN1-related disorder. Also called: DCTN1-related condition.
Inborn genetic diseases. Identifiers: MedGen C0950123, MeSH D030342.

Allele frequency attached by ClinVar (database versions not stated): ExAC 0.00003; gnomAD exomes 0.00003; gnomAD 0.00005; TOPMed 0.00012; 1000 Genomes Project 30x 0.00016; 1000 Genomes Project 0.00020.
gnomAD v4.1: 51 of 1,606,546 alleles (0.0032%); highest among the groups gnomAD compares: East Asian, 0.02%; no homozygotes.

Submissions (5):

PreventionGenetics, part of Exact Sciences
Classification: Uncertain significance for DCTN1-related condition. Last evaluated: 2026-09-08. Review status: criteria provided, single submitter. Criteria: ACMG Guidelines, 2015. Collection method: clinical testing. Allele origin: germline.
Comment: The DCTN1 c.35C>T variant is predicted to result in the amino acid substitution p.Thr12Met. This variant has been reported in an individual with frontotemporal lobar degeneration (Vilariño-Güell et al. 2009. PubMed ID: 19506225, Table e-1). It has also been reported in the heterozygous state in an individual with early onset Parkinsonism that also harbored a homozygous candidate variant in another gene (Giri et al. 2016. PubMed ID: 27127721, Figure S3). This variant is reported in 0.0085% of alleles in individuals of Latino descent in gnomAD. At this time, the clinical significance of this variant is uncertain due to the absence of conclusive functional and genetic evidence.

Labcorp Genetics (formerly Invitae), Labcorp
Classification: Uncertain significance for Amyotrophic lateral sclerosis type 1; Neuronopathy, distal hereditary motor, type 7B; Perry syndrome. Last evaluated: 2026-01-26. Review status: criteria provided, single submitter. Criteria: Invitae Variant Classification Sherloc (09022015). Collection method: clinical testing. Allele origin: germline.
Comment: This sequence change replaces threonine, which is neutral and polar, with methionine, which is neutral and non-polar, at codon 12 of the DCTN1 protein (p.Thr12Met). This variant is present in population databases (rs72659364, gnomAD 0.006%). This missense change has been observed in individual(s) with frontotemporal lobar degeneration (PMID: 19506225). ClinVar contains an entry for this variant (Variation ID: 1011756). Invitae Evidence Modeling of protein sequence and biophysical properties (such as structural, functional, and spatial information, amino acid conservation, physicochemical variation, residue mobility, and thermodynamic stability) indicates that this missense variant is not expected to disrupt DCTN1 protein function with a negative predictive value of 95%. In summary, the available evidence is currently insufficient to determine the role of this variant in disease. Therefore, it has been classified as a Variant of Uncertain Significance.

CeGaT Center for Human Genetics Tuebingen
Classification: Uncertain significance. Last evaluated: 2025-03-01. Review status: criteria provided, single submitter. Criteria: CeGaT Center For Human Genetics Tuebingen Variant Classification Criteria Version 2. Collection method: clinical testing. Allele origin: germline. Affected: yes. Observed: 1 variant allele.

Ambry Genetics
Classification: Uncertain significance for Inborn genetic diseases. Last evaluated: 2024-08-21. Review status: criteria provided, single submitter. Criteria: Ambry Variant Classification Scheme 2023. Collection method: clinical testing. Allele origin: germline.
Comment: The c.35C>T (p.T12M) alteration is located in exon 2 (coding exon 2) of the DCTN1 gene. This alteration results from a C to T substitution at nucleotide position 35, causing the threonine (T) at amino acid position 12 to be replaced by a methionine (M). This amino acid position is well conserved in available vertebrate species. In silico prediction is conflicting: The p.T12M alteration is predicted to be benign by Polyphen and deleterious by SIFT in silico analyses. Based on insufficient or conflicting evidence, the clinical significance of this alteration remains unclear.

Athena Diagnostics
Classification: Uncertain significance. Last evaluated: 2023-12-29. Review status: criteria provided, single submitter. Criteria: Athena Diagnostics Criteria. Collection method: clinical testing. Allele origin: unknown.
Comment: Available data are insufficient to determine the clinical significance of the variant at this time. The frequency of this variant in the general population is higher than would generally be expected for pathogenic variants in this gene. Computational tools disagree on the variant's effect on normal protein function.

Literature cited by the submitters: PubMed 19506225 (cited by Labcorp Genetics (formerly Invitae), Labcorp and Athena Diagnostics); PubMed 27127721 (cited by Athena Diagnostics).